The following is an entry in ClinVar:

NM_004168.4(SDHA):c.1459A>T (p.Asn487Tyr)

Gene: SDHA (succinate dehydrogenase complex flavoprotein subunit A; plus strand). Cytogenetic location: 5p15.33.
Variant type: single nucleotide variant.
Coding change: c.1459A>T on transcript NM_004168.4 (MANE Select); coding-DNA position 1459, A replaced by T.
Protein change: p.Asn487Tyr; replaces asparagine 487 with tyrosine.
Molecular consequence: missense variant.
Genome position (GRCh38, 1-based): chr5:240,384, A>T. VCF-style: chr5-240384-A-T. GRCh37 (hg19) VCF-style: chr5-240499-A-T.
Other names: c.1315A>T, p.Asn439Tyr (NM_001294332.2); c.1459A>T, p.Asn487Tyr (NM_001330758.2); short protein forms N439Y, N487Y.
Identifiers: ClinVar variation 4880837 (VCV004880837.2).

ClinVar aggregate classification (germline): Uncertain significance (1 of 4 stars; one submission).

Submission:

Dasa
Classification: Uncertain significance. Last evaluated: 2026-04-17. Review status: criteria provided, single submitter. Criteria: DASA Assertion Criteria. Collection method: clinical testing. Allele origin: germline.
Comment: NM_004168.4(SDHA):c.1459A>T (p.Asn487Tyr) is a missense variant that results in the substitution of asparagine with tyrosine. This variant is rare in population databases. The currently available literature and clinical evidence are not sufficient to establish a definitive association between this variant and the reported condition. Therefore, this variant is classified as a variant of uncertain significance.